The following is an entry in ClinVar:

NM_000124.4(ERCC6):c.3774A>G (p.Lys1258=)

Gene: ERCC6 (ERCC excision repair 6, chromatin remodeling factor; minus strand). Cytogenetic location: 10q11.23.
Variant type: single nucleotide variant.
Coding change: c.3774A>G on transcript NM_000124.4 (MANE Select); coding-DNA position 3774, A replaced by G.
Protein change: p.Lys1258=; no amino-acid change (lysine 1258 retained).
Molecular consequence: synonymous variant.
Genome position (GRCh38, 1-based): chr10:49,470,186, T>C on the plus strand (A>G on the coding strand, the complement: ERCC6 is on the minus strand). VCF-style: chr10-49470186-T-C. GRCh37 (hg19) VCF-style: chr10-50678232-T-C.
Other names: c.3774A>G, p.Lys1258= (NM_001346440.2).
Identifiers: ClinVar variation 300043 (VCV000300043.20), dbSNP rs35756610, ClinGen allele CA5495279.

ClinVar aggregate classification (germline): Benign/Likely benign. Review status: criteria provided, multiple submitters, no conflicts (2 of 4 stars). 6 submissions from 4 submitters: Benign (4); Likely benign (2). Last evaluated 2026-02-02.

Conditions:
Cerebrooculofacioskeletal syndrome 1 (COFS1). Also called: Cerebro-oculo-facio-skeletal syndrome 1. Identifiers: MedGen C0220722, MONDO:0008955, OMIM 214150.
Age related macular degeneration 5. Identifiers: MedGen C3151063, MONDO:0013409, OMIM 613761.
Cockayne syndrome type 2 (CSB). Also called: Cockayne Syndrome, Type II; COCKAYNE SYNDROME B. Identifiers: Orphanet 191, Orphanet 90322, MedGen C0751038, MONDO:0019570, OMIM 133540.

Allele frequency attached by ClinVar (database versions not stated): 1000 Genomes Project 30x 0.00781; 1000 Genomes Project 0.00799; ESP Exome Variant Server 0.00984; TOPMed 0.00987.
gnomAD v4.1: 2,485 of 1,614,072 alleles (0.15%); highest among the groups gnomAD compares: African/African-American, 2.9%; 36 homozygotes.

Submissions (7):

Labcorp Genetics (formerly Invitae), Labcorp
Classification: Benign. Last evaluated: 2026-02-02. Review status: criteria provided, single submitter. Criteria: Invitae Variant Classification Sherloc (09022015). Collection method: clinical testing. Allele origin: germline.

GeneDx
Classification: Likely benign. Last evaluated: 2022-03-02. Review status: criteria provided, single submitter. Criteria: GeneDx Variant Classification Process June 2021. Collection method: clinical testing. Allele origin: germline. Affected: yes.

Illumina Laboratory Services, Illumina
Classification: Benign for Cerebrooculofacioskeletal syndrome 1. Last evaluated: 2018-01-13. Review status: criteria provided, single submitter. Criteria: ICSL Variant Classification Criteria 13 December 2019. Collection method: clinical testing. Allele origin: germline.
Comment: This variant was observed in the ICSL laboratory as part of a predisposition screen in an ostensibly healthy population. It had not been previously curated by ICSL or reported in the Human Gene Mutation Database (HGMD: prior to June 1st, 2018), and was therefore a candidate for classification through an automated scoring system. Utilizing variant allele frequency, disease prevalence and penetrance estimates, and inheritance mode, an automated score was calculated to assess if this variant is too frequent to cause the disease. Based on the score and internal cut-off values, a variant classified as benign is not then subjected to further curation. The score for this variant resulted in a classification of benign for this disease.

Illumina Laboratory Services, Illumina
Classification: Benign for Age related macular degeneration 5. Last evaluated: 2018-01-13. Review status: criteria provided, single submitter. Criteria: ICSL Variant Classification Criteria 13 December 2019. Collection method: clinical testing. Allele origin: germline.
Comment: the same text as in the submission from Illumina Laboratory Services, Illumina above.

Illumina Laboratory Services, Illumina
Classification: Benign for Cockayne syndrome type 2. Last evaluated: 2018-01-13. Review status: criteria provided, single submitter. Criteria: ICSL Variant Classification Criteria 13 December 2019. Collection method: clinical testing. Allele origin: germline.
Comment: the same text as in the submission from Illumina Laboratory Services, Illumina above.

Breakthrough Genomics
Classification: Likely benign. Review status: criteria provided, single submitter. Criteria: ACMG Guidelines, 2015. Collection method: not provided. Allele origin: germline. Inheritance: Autosomal recessive inheritance. Affected: yes.

Dr. Peter K. Rogan Lab, Western University
No classification provided (evidence only). Condition: Uterine corpus endometrial carcinoma. Review status: no classification provided. Collection method: in vitro. Allele origin: not applicable. Functional consequence: retained intron. Not counted in ClinVar's aggregate classification.